The following is an entry in ClinVar:

NM_000444.6(PHEX):c.1080-2A>G

Gene: PHEX (phosphate regulating endopeptidase X-linked; plus strand). Cytogenetic location: Xp22.11.
Variant type: single nucleotide variant.
Coding change: c.1080-2A>G on transcript NM_000444.6 (MANE Select); the canonical splice acceptor site of the intron before coding-DNA position 1080, A replaced by G.
Molecular consequence: splice acceptor variant.
Genome position (GRCh38, 1-based): chrX:22,111,465, A>G. VCF-style: chrX-22111465-A-G. GRCh37 (hg19) VCF-style: chrX-22129583-A-G.
Other names: c.1080-2A>G (NM_001282754.2).
Identifiers: ClinVar variation 280071 (VCV000280071.12), dbSNP rs886041358, ClinGen allele CA10603642.

ClinVar aggregate classification (germline): Pathogenic. Review status: criteria provided, multiple submitters, no conflicts (2 of 4 stars). 2 submissions from 2 submitters: Pathogenic (2). Last evaluated 2023-12-21.

Submissions (2):

Labcorp Genetics (formerly Invitae), Labcorp
Classification: Pathogenic. Last evaluated: 2023-12-21. Review status: criteria provided, single submitter. Criteria: Invitae Variant Classification Sherloc (09022015). Collection method: clinical testing. Allele origin: germline.
Comment: This sequence change affects an acceptor splice site in intron 9 of the PHEX gene. RNA analysis indicates that disruption of this splice site induces altered splicing and may result in an absent or disrupted protein product. This variant is not present in population databases (gnomAD no frequency). Disruption of this splice site has been observed in individuals with hypophosphatemic rickets (PMID: 9097956, 26904698, 30682568). ClinVar contains an entry for this variant (Variation ID: 280071). Studies have shown that disruption of this splice site results in skipping of exon 10 and introduces a premature termination codon (PMID: 26904698). The resulting mRNA is expected to undergo nonsense-mediated decay. For these reasons, this variant has been classified as Pathogenic.

GeneDx
Classification: Pathogenic. Last evaluated: 2021-11-09. Review status: criteria provided, single submitter. Criteria: GeneDx Variant Classification Process June 2021. Collection method: clinical testing. Allele origin: germline. Affected: yes.
Comment: Canonical splice site variant predicted to result in a null allele in a gene for which loss-of-function is a known mechanism of disease; Not observed in large population cohorts (Lek et al., 2016); This variant is associated with the following publications: (PMID: 25525159, 30682568, 9097956, 26904698)

Literature cited by the submitters: PubMed 9097956 (cited by Labcorp Genetics (formerly Invitae), Labcorp); PubMed 26904698 (cited by Labcorp Genetics (formerly Invitae), Labcorp); PubMed 30682568 (cited by Labcorp Genetics (formerly Invitae), Labcorp).